The following is an entry in ClinVar:

ClinVar aggregate classification (germline): Likely pathogenic (1 of 4 stars; one submission).

Submission:

Labcorp Genetics (formerly Invitae), Labcorp
Classification: Likely pathogenic. Last evaluated: 2022-08-09. Review status: criteria provided, single submitter. Criteria: Invitae Variant Classification Sherloc (09022015). Collection method: clinical testing. Allele origin: germline.
Comment: This sequence change affects a donor splice site in intron 13 of the C6 gene. It is expected to disrupt RNA splicing. Variants that disrupt the donor or acceptor splice site typically lead to a loss of protein function (PMID: 16199547), and loss-of-function variants in C6 are known to be pathogenic (PMID: 17257682). This variant is not present in population databases (gnomAD no frequency). This variant has not been reported in the literature in individuals affected with C6-related conditions. ClinVar contains an entry for this variant (Variation ID: 1507537). Algorithms developed to predict the effect of sequence changes on RNA splicing suggest that this variant may disrupt the consensus splice site. In summary, the currently available evidence indicates that the variant is pathogenic, but additional data are needed to prove that conclusively. Therefore, this variant has been classified as Likely Pathogenic.

Literature cited by the submitters: PubMed 16199547; PubMed 17257682.

NM_000065.5(C6):c.1968+1G>T

Gene: C6 (complement C6; minus strand). Cytogenetic location: 5p13.1.
Variant type: single nucleotide variant.
Coding change: c.1968+1G>T on transcript NM_000065.5 (MANE Select); the canonical splice donor site of the intron after coding-DNA position 1968, G replaced by T.
Molecular consequence: splice donor variant.
Genome position (GRCh38, 1-based): chr5:41,158,673, C>A on the plus strand (G>T on the coding strand, the complement: C6 is on the minus strand). VCF-style: chr5-41158673-C-A. GRCh37 (hg19) VCF-style: chr5-41158775-C-A.
Other names: c.1968+1G>T (NM_001115131.4).
Identifiers: ClinVar variation 1507537 (VCV001507537.8), dbSNP rs2150258844, ClinGen allele CA359596642.
Genomic context (GRCh38, chr5:41,158,673, plus strand): 5'-CAAGCTATACTTTTCGAGGTTTTTAAAACTACAAACCAAAAGTGAGGTTTAGGATGCTGA[C>A]CCGGATAAATCCATTTTCTGGAGGAACTGGCTGAGGACACCCGGAATCTGCTTCTATCTC-3'